The following is an entry in ClinVar:

ClinVar aggregate classification (germline): Uncertain significance (1 of 4 stars; one submission).

Submission:

Ambry Genetics
Classification: Uncertain significance. Last evaluated: 2024-04-25. Review status: criteria provided, single submitter. Criteria: Ambry Variant Classification Scheme 2023. Collection method: clinical testing. Allele origin: germline.
Comment: The p.M124I variant (also known as c.372G>A), located in coding exon 1 of the PALLD gene, results from a G to A substitution at nucleotide position 372. The methionine at codon 124 is replaced by isoleucine, an amino acid with highly similar properties. This amino acid position is conserved. In addition, this alteration is predicted to be tolerated by in silico analysis. Since supporting evidence is limited at this time, the clinical significance of this alteration remains unclear.

NM_001166108.2(PALLD):c.372G>A (p.Met124Ile)

Gene: PALLD (palladin, cytoskeletal associated protein; plus strand). Cytogenetic location: 4q32.3.
Variant type: single nucleotide variant.
Coding change: c.372G>A on transcript NM_001166108.2 (MANE Select); coding-DNA position 372, G replaced by A.
Protein change: p.Met124Ile; replaces methionine 124 with isoleucine.
Molecular consequence: missense variant.
Genome position (GRCh38, 1-based): chr4:168,511,876, G>A. VCF-style: chr4-168511876-G-A. GRCh37 (hg19) VCF-style: chr4-169433027-G-A.
Other names: c.372G>A, p.Met124Ile (NM_016081.4); short protein forms M124I.
Identifiers: ClinVar variation 1734378 (VCV001734378.3), dbSNP rs1381989372, ClinGen allele CA358725630.